The following is an entry in ClinVar:

NM_001365999.1(SZT2):c.3709T>A (p.Cys1237Ser)

Gene: SZT2 (SZT2 subunit of KICSTOR complex; plus strand). Cytogenetic location: 1p34.2.
Variant type: single nucleotide variant.
Coding change: c.3709T>A on transcript NM_001365999.1 (MANE Select); coding-DNA position 3709, T replaced by A.
Protein change: p.Cys1237Ser; replaces cysteine 1237 with serine.
Molecular consequence: missense variant.
Genome position (GRCh38, 1-based): chr1:43,427,640, T>A. VCF-style: chr1-43427640-T-A. GRCh37 (hg19) VCF-style: chr1-43893311-T-A.
Other names: c.3538T>A, p.Cys1180Ser (NM_015284.4); short protein forms C1237S, C1180S.
Identifiers: ClinVar variation 1942145 (VCV001942145.5), dbSNP rs1349152423, ClinGen allele CA340018870.

ClinVar aggregate classification (germline): Uncertain significance (1 of 4 stars; one submission).

Allele frequency attached by ClinVar (database versions not stated): TOPMed below 0.00001; gnomAD 0.00002.
gnomAD v4.1: 3 of 1,614,028 alleles (0.00019%); highest among the groups gnomAD compares: African/African-American, 0.004%; no homozygotes.

Submission:

Labcorp Genetics (formerly Invitae), Labcorp
Classification: Uncertain significance. Last evaluated: 2022-10-30. Review status: criteria provided, single submitter. Criteria: Invitae Variant Classification Sherloc (09022015). Collection method: clinical testing. Allele origin: germline.
Comment: This sequence change replaces cysteine, which is neutral and slightly polar, with serine, which is neutral and polar, at codon 1180 of the SZT2 protein (p.Cys1180Ser). The frequency data for this variant in the population databases is considered unreliable, as metrics indicate poor data quality at this position in the gnomAD database. This variant has not been reported in the literature in individuals affected with SZT2-related conditions. Advanced modeling of protein sequence and biophysical properties (such as structural, functional, and spatial information, amino acid conservation, physicochemical variation, residue mobility, and thermodynamic stability) performed at Invitae indicates that this missense variant is expected to disrupt SZT2 protein function. In summary, the available evidence is currently insufficient to determine the role of this variant in disease. Therefore, it has been classified as a Variant of Uncertain Significance.